The following is an entry in ClinVar:

ClinVar aggregate classification (germline): Uncertain significance. Review status: criteria provided, multiple submitters, no conflicts (2 of 4 stars). 3 submissions from 3 submitters: Uncertain significance (2). 1 of the submissions does not count toward it. Last evaluated 2025-08-04.

Conditions:
Inborn genetic diseases. Identifiers: MedGen C0950123, MeSH D030342.
Glycogen storage disease type III (GSD3). Also called: Cori disease; FORBES DISEASE. Identifiers: Orphanet 366, MedGen C0017922, MONDO:0009291, OMIM 232400.

Allele frequency attached by ClinVar (database versions not stated): gnomAD exomes below 0.00001; TOPMed below 0.00001; gnomAD 0.00001.
gnomAD v4.1: 9 of 1,613,874 alleles (0.00056%); highest among the groups gnomAD compares: Admixed American, 0.0033%; no homozygotes.

Submissions (3):

Ambry Genetics
Classification: Uncertain significance for Inborn genetic diseases. Last evaluated: 2025-08-04. Review status: criteria provided, single submitter. Criteria: Ambry Variant Classification Scheme 2023. Collection method: clinical testing. Allele origin: germline.

Labcorp Genetics (formerly Invitae), Labcorp
Classification: Uncertain significance for Glycogen storage disease type III. Last evaluated: 2022-06-13. Review status: criteria provided, single submitter. Criteria: Invitae Variant Classification Sherloc (09022015). Collection method: clinical testing. Allele origin: germline.
Comment: This sequence change replaces arginine, which is basic and polar, with cysteine, which is neutral and slightly polar, at codon 1295 of the AGL protein (p.Arg1295Cys). This variant is present in population databases (no rsID available, gnomAD 0.0009%). This variant has not been reported in the literature in individuals affected with AGL-related conditions. ClinVar contains an entry for this variant (Variation ID: 1046794). Algorithms developed to predict the effect of missense changes on protein structure and function output the following: SIFT: "Deleterious"; PolyPhen-2: "Possibly Damaging"; Align-GVGD: "Class C55". The cysteine amino acid residue is found in multiple mammalian species, which suggests that this missense change does not adversely affect protein function. In summary, the available evidence is currently insufficient to determine the role of this variant in disease. Therefore, it has been classified as a Variant of Uncertain Significance.

Natera, Inc.
Classification: Uncertain significance for Glycogen storage disease type III. Last evaluated: 2021-03-24. Review status: no assertion criteria provided. Collection method: clinical testing. Allele origin: germline. Not counted in ClinVar's aggregate classification.

NM_000642.3(AGL):c.3883C>T (p.Arg1295Cys)

Gene: AGL (amylo-alpha-1,6-glucosidase and 4-alpha-glucanotransferase; plus strand). Cytogenetic location: 1p21.2.
Variant type: single nucleotide variant.
Coding change: c.3883C>T on transcript NM_000642.3 (MANE Select); coding-DNA position 3883, C replaced by T.
Protein change: p.Arg1295Cys; replaces arginine 1295 with cysteine.
Molecular consequence: missense variant.
Genome position (GRCh38, 1-based): chr1:99,912,451, C>T. VCF-style: chr1-99912451-C-T. GRCh37 (hg19) VCF-style: chr1-100378007-C-T.
Other names: c.3883C>T (NM_000642.2); c.3883C>T, p.Arg1295Cys (NM_000028.3, NM_000643.3, NM_000644.3 and 1 more transcripts); c.3835C>T, p.Arg1279Cys (NM_000646.3); c.3862C>T, p.Arg1288Cys (NM_001425326.1); c.3682C>T, p.Arg1228Cys (NM_001425327.1); c.3679C>T, p.Arg1227Cys (NM_001425328.1); c.3544C>T, p.Arg1182Cys (NM_001425329.1); c.3505C>T, p.Arg1169Cys (NM_001425332.1); short protein forms R1279C, R1295C, R1169C, R1182C, R1227C, R1228C, R1288C.
Identifiers: ClinVar variation 1046794 (VCV001046794.12), dbSNP rs1238498134, ClinGen allele CA341338817.